The following is an entry in ClinVar:

NM_001353345.2(SETD1B):c.5201_5207dup (p.Asp1736fs)

Gene: SETD1B (SET domain containing 1B, histone lysine methyltransferase; plus strand). Cytogenetic location: 12q24.31.
Variant type: Duplication.
Coding change: c.5201_5207dup on transcript NM_001353345.2 (MANE Select); coding-DNA positions 5201 to 5207, 7 bases duplicated (AACGGGA; older notation c.5201_5207dupAACGGGA).
Protein change: p.Asp1736fs; shifts the reading frame from aspartic acid 1736.
Molecular consequence: frameshift variant.
Genome position (GRCh38, 1-based): chr12:121,825,230-121,825,236, AACGGGA duplicated; duplicating any 7 consecutive bases within chr12:121,825,228-121,825,236 gives the same sequence; the c. name uses the placement nearest the transcript's 3' end. VCF-style (leftmost placement, unchanged base first): chr12-121825227-A-AGAAACGG. GRCh37 (hg19) VCF-style: chr12-122263133-A-AGAAACGG.
Other names: short protein forms D1736fs.
Identifiers: ClinVar variation 4880775 (VCV004880775.2).

ClinVar aggregate classification (germline): Likely pathogenic (1 of 4 stars; one submission).

Conditions:
Intellectual developmental disorder with seizures and language delay (IDDSELD). Identifiers: MedGen C5436574, MONDO:0033559, OMIM 619000.

Submission:

Dasa
Classification: Likely pathogenic for Intellectual developmental disorder with seizures and language delay. Last evaluated: 2026-02-21. Review status: criteria provided, single submitter. Criteria: DASA Assertion Criteria. Collection method: clinical testing. Allele origin: germline.
Comment: NM_001353345.2(SETD1B):c.5201_5207dup (p.Asp1736Glufs*17) is a frameshift variant in SETD1B predicted to alter the reading frame and introduce a premature termination codon and is predicted to result in an absent or altered protein product. Loss of function is an established disease mechanism for SETD1B (PMID: 34345025; PMID: 32546566; PMID: 31110234). Also, this variant is absent from population databases. Based on the currently available evidence, this variant is classified as likely pathogenic.

Literature cited by the submitters: PubMed 34345025; PubMed 32546566; PubMed 31110234.